The following is an entry in ClinVar:

ClinVar aggregate classification (germline): Uncertain significance. Review status: criteria provided, multiple submitters, no conflicts (2 of 4 stars). 2 submissions from 2 submitters: Uncertain significance (2). Last evaluated 2023-12-22.

Conditions:
Inborn genetic diseases. Identifiers: MedGen C0950123, MeSH D030342.

Allele frequency attached by ClinVar (database versions not stated): gnomAD exomes 0.00004 and 0.00008; gnomAD 0.00005 and 0.00006; TOPMed 0.00005; ESP Exome Variant Server 0.00008; ExAC 0.00010.

Submissions (2):

Ambry Genetics
Classification: Uncertain significance for Inborn genetic diseases. Last evaluated: 2023-12-22. Review status: criteria provided, single submitter. Criteria: Ambry Variant Classification Scheme 2023. Collection method: clinical testing. Allele origin: germline.

Labcorp Genetics (formerly Invitae), Labcorp
Classification: Uncertain significance. Last evaluated: 2021-05-03. Review status: criteria provided, single submitter. Criteria: Invitae Variant Classification Sherloc (09022015). Collection method: clinical testing. Allele origin: germline.
Comment: In summary, the available evidence is currently insufficient to determine the role of this variant in disease. Therefore, it has been classified as a Variant of Uncertain Significance. Algorithms developed to predict the effect of missense changes on protein structure and function output the following: SIFT: "Tolerated"; PolyPhen-2: "Benign"; Align-GVGD: "Class C0". The histidine amino acid residue is found in multiple mammalian species, suggesting that this missense change does not adversely affect protein function. These predictions have not been confirmed by published functional studies and their clinical significance is uncertain. This variant has not been reported in the literature in individuals with CSGALNACT1-related conditions. This variant is present in population databases (rs138718417, ExAC 0.03%). This sequence change replaces arginine with histidine at codon 202 of the CSGALNACT1 protein (p.Arg202His). The arginine residue is moderately conserved and there is a small physicochemical difference between arginine and histidine.

NM_001354483.2(CSGALNACT1):c.605G>A (p.Arg202His)

Gene: CSGALNACT1 (chondroitin sulfate N-acetylgalactosaminyltransferase 1; minus strand). Cytogenetic location: 8p21.3.
Variant type: single nucleotide variant.
Coding change: c.605G>A on transcript NM_001354483.2 (MANE Select); coding-DNA position 605, G replaced by A.
Protein change: p.Arg202His; replaces arginine 202 with histidine.
Molecular consequence: missense variant. On other transcripts: non-coding transcript variant (7).
Genome position (GRCh38, 1-based): chr8:19,505,230, C>T on the plus strand (G>A on the coding strand, the complement: CSGALNACT1 is on the minus strand). VCF-style: chr8-19505230-C-T. GRCh37 (hg19) VCF-style: chr8-19362741-C-T.
Other names: c.605G>A, p.Arg202His (NM_001130518.2, NM_001354475.2, NM_001354476.2 and 18 more transcripts); c.605G>A (NM_001130518.1); short protein forms R202H.
Identifiers: ClinVar variation 1373193 (VCV001373193.7), dbSNP rs138718417, ClinGen allele CA4654202.